The following is an entry in ClinVar:

ClinVar aggregate classification (germline): Conflicting classifications of pathogenicity. Review status: criteria provided, conflicting classifications (1 of 4 stars). 5 submissions from 5 submitters: Uncertain significance (4); Likely benign (1). Last evaluated 2026-02-20.

Conditions:
Hereditary sensory neuropathy-deafness-dementia syndrome. Also called: HSN IE; NEUROPATHY, HEREDITARY SENSORY, WITH HEARING LOSS AND DEMENTIA; Hereditary Sensory and Autonomic Neuropathy Type 1E (HSAN1E); Hereditary sensory neuropathy type IE. Identifiers: Orphanet 456318, MedGen C3279885, MONDO:0013584, OMIM 614116.
DNMT1-related disorder. Also called: DNMT1-related condition. Identifiers: MedGen CN381527.
Autosomal dominant cerebellar ataxia, deafness and narcolepsy. Also called: Autosomal Dominant Cerebellar Ataxia, Deafness, and Narcolepsy (ADCA-DN). Identifiers: Orphanet 314404, MedGen C4302668, MONDO:0011397, OMIM 604121.

Allele frequency attached by ClinVar (database versions not stated): ExAC 0.00002; gnomAD exomes 0.00002; TOPMed 0.00004; gnomAD 0.00006 and 0.00008.
gnomAD v4.1: 24 of 1,613,980 alleles (0.0015%); highest among the groups gnomAD compares: African/African-American, 0.008%; no homozygotes.

Submissions (5):

PreventionGenetics, part of Exact Sciences
Classification: Uncertain significance for DNMT1-related condition. Last evaluated: 2026-02-20. Review status: criteria provided, single submitter. Criteria: ACMG Guidelines, 2015. Collection method: clinical testing. Allele origin: germline.
Comment: The DNMT1 c.695C>T variant is predicted to result in the amino acid substitution p.Pro232Leu. To our knowledge, this variant has not been reported in the literature. This variant is reported in 0.0040% of alleles in individuals of African descent in gnomAD. At this time, the clinical significance of this variant is uncertain due to the absence of conclusive functional and genetic evidence.

Labcorp Genetics (formerly Invitae), Labcorp
Classification: Uncertain significance for Hereditary sensory neuropathy-deafness-dementia syndrome. Last evaluated: 2024-10-15. Review status: criteria provided, single submitter. Criteria: Invitae Variant Classification Sherloc (09022015). Collection method: clinical testing. Allele origin: germline.
Comment: This sequence change replaces proline, which is neutral and non-polar, with leucine, which is neutral and non-polar, at codon 232 of the DNMT1 protein (p.Pro232Leu). This variant is present in population databases (rs758190156, gnomAD 0.004%). This variant has not been reported in the literature in individuals affected with DNMT1-related conditions. ClinVar contains an entry for this variant (Variation ID: 569266). An algorithm developed to predict the effect of missense changes on protein structure and function outputs the following: PolyPhen-2: "Benign". The leucine amino acid residue is found in multiple mammalian species, which suggests that this missense change does not adversely affect protein function. In summary, the available evidence is currently insufficient to determine the role of this variant in disease. Therefore, it has been classified as a Variant of Uncertain Significance.

GeneDx
Classification: Uncertain significance. Last evaluated: 2024-04-26. Review status: criteria provided, single submitter. Criteria: GeneDx Variant Classification Process June 2021. Collection method: clinical testing. Allele origin: germline. Affected: yes.
Comment: Not observed at significant frequency in large population cohorts (gnomAD); In silico analysis indicates that this missense variant does not alter protein structure/function; Has not been previously published as pathogenic or benign to our knowledge

Blueprint Genetics
Classification: Likely benign. Last evaluated: 2023-08-02. Review status: criteria provided, single submitter. Criteria: ACMG Guidelines, 2015. Collection method: clinical testing. Allele origin: germline.

Fulgent Genetics
Classification: Uncertain significance for Autosomal dominant cerebellar ataxia, deafness and narcolepsy; Hereditary sensory neuropathy-deafness-dementia syndrome. Last evaluated: 2021-11-10. Review status: criteria provided, single submitter. Criteria: ACMG Guidelines, 2015. Collection method: clinical testing. Allele origin: unknown.

NM_001130823.3(DNMT1):c.695C>T (p.Pro232Leu)

Gene: DNMT1 (DNA methyltransferase 1; minus strand). Cytogenetic location: 19p13.2.
Variant type: single nucleotide variant.
Coding change: c.695C>T on transcript NM_001130823.3 (MANE Select); coding-DNA position 695, C replaced by T.
Protein change: p.Pro232Leu; replaces proline 232 with leucine.
Molecular consequence: missense variant.
Genome position (GRCh38, 1-based): chr19:10,173,163, G>A on the plus strand (C>T on the coding strand, the complement: DNMT1 is on the minus strand). VCF-style: chr19-10173163-G-A. GRCh37 (hg19) VCF-style: chr19-10283839-G-A.
Other names: c.695C>T (NM_001130823.2, LRG_362t1); c.647C>T, p.Pro216Leu (NM_001318730.2, NM_001379.4); c.332C>T, p.Pro111Leu (NM_001318731.2); short protein forms P232L, P111L, P216L.
Identifiers: ClinVar variation 569266 (VCV000569266.11), dbSNP rs758190156, ClinGen allele CA9188633.
Genomic context (GRCh38, chr19:10,173,163, plus strand): 5'-TCTTCTTCCTTTTCAGTGCGCGTTCCTGATTTTGCTCTTTCAGGTTCTTCTGCAGGAAGC[G>A]GTCTAGCAACTCTGTCAAGCAAAATAACACAGACCCCAAGTGTGAGTGCCAGGAGCTTCC-3'
Protein context (NP_001124295.1, residues 222-242): RVTSRERVAR[Pro232Leu]LPAEEPERAK